The following is an entry in ClinVar:

ClinVar aggregate classification (germline): Uncertain significance. Review status: criteria provided, multiple submitters, no conflicts (2 of 4 stars). 2 submissions from 2 submitters: Uncertain significance (2). Last evaluated 2025-07-03.

Conditions:
PTPRQ-related disorder. Also called: PTPRQ-related condition.

gnomAD v4.1: 139 of 1,549,208 alleles (0.009%); highest among the groups gnomAD compares: Non-Finnish European, 0.012%; no homozygotes.

Submissions (2):

GeneDx
Classification: Uncertain significance. Last evaluated: 2025-07-03. Review status: criteria provided, single submitter. Criteria: GeneDx Variant Classification Process June 2021. Collection method: clinical testing. Allele origin: germline. Affected: yes.
Comment: Not observed at significant frequency in large population cohorts (gnomAD); In silico analysis supports that this missense variant has a deleterious effect on protein structure/function; Has not been previously published as pathogenic or benign to our knowledge

PreventionGenetics, part of Exact Sciences
Classification: Uncertain significance for PTPRQ-related condition. Last evaluated: 2025-02-14. Review status: criteria provided, single submitter. Criteria: ACMG Guidelines, 2015. Collection method: clinical testing. Allele origin: germline.
Comment: The PTPRQ c.5477C>A variant is predicted to result in the amino acid substitution p.Pro1826His. To our knowledge, this variant has not been reported in the literature. This variant is reported in 0.0060% of alleles in individuals of African descent in gnomAD. At this time, the clinical significance of this variant is uncertain due to the absence of conclusive functional and genetic evidence.

NM_001145026.2(PTPRQ):c.5477C>A (p.Pro1826His)

Gene: PTPRQ (protein tyrosine phosphatase receptor type Q; plus strand). Cytogenetic location: 12q21.31.
Variant type: single nucleotide variant.
Coding change: c.5477C>A on transcript NM_001145026.2 (MANE Select); coding-DNA position 5477, C replaced by A.
Protein change: p.Pro1826His; replaces proline 1826 with histidine.
Molecular consequence: missense variant.
Genome position (GRCh38, 1-based): chr12:80,620,241, C>A. VCF-style: chr12-80620241-C-A. GRCh37 (hg19) VCF-style: chr12-81014020-C-A.
Other names: short protein forms P1826H.
Identifiers: ClinVar variation 4680901 (VCV004680901.2).